The following is an entry in ClinVar:

ClinVar aggregate classification (germline): Uncertain significance. Review status: criteria provided, multiple submitters, no conflicts (2 of 4 stars). 2 submissions from 2 submitters: Uncertain significance (2). Last evaluated 2022-07-12.

Conditions:
Bardet-Biedl syndrome (BBS). Identifiers: Orphanet 110, MedGen C0752166, MONDO:0015229.
Bardet-Biedl syndrome 9 (BBS9). Identifiers: Orphanet 110, MedGen C1859567, MONDO:0014437, OMIM 615986.

gnomAD v4.1: 2 of 1,613,494 alleles (0.00012%); highest among the groups gnomAD compares: Non-Finnish European, 0.00017%; no homozygotes.

Submissions (2):

Labcorp Genetics (formerly Invitae), Labcorp
Classification: Uncertain significance for Bardet-Biedl syndrome. Last evaluated: 2022-07-12. Review status: criteria provided, single submitter. Criteria: Invitae Variant Classification Sherloc (09022015). Collection method: clinical testing. Allele origin: germline.
Comment: This sequence change affects codon 415 of the BBS9 mRNA. It is a 'silent' change, meaning that it does not change the encoded amino acid sequence of the BBS9 protein. This variant is not present in population databases (gnomAD no frequency). This variant has not been reported in the literature in individuals affected with BBS9-related conditions. ClinVar contains an entry for this variant (Variation ID: 1483412). Algorithms developed to predict the effect of sequence changes on RNA splicing suggest that this variant may disrupt the consensus splice site. In summary, the available evidence is currently insufficient to determine the role of this variant in disease. Therefore, it has been classified as a Variant of Uncertain Significance.

Fulgent Genetics
Classification: Uncertain significance for Bardet-Biedl syndrome 9. Last evaluated: 2022-01-12. Review status: criteria provided, single submitter. Criteria: ACMG Guidelines, 2015. Collection method: clinical testing. Allele origin: unknown.

NM_198428.3(BBS9):c.1245C>A (p.Val415=)

Gene: BBS9 (Bardet-Biedl syndrome 9; plus strand). Cytogenetic location: 7p14.3.
Variant type: single nucleotide variant.
Coding change: c.1245C>A on transcript NM_198428.3 (MANE Select); coding-DNA position 1245, C replaced by A.
Protein change: p.Val415=; no amino-acid change (valine 415 retained).
Molecular consequence: synonymous variant. On other transcripts: non-coding transcript variant (3).
Genome position (GRCh38, 1-based): chr7:33,340,943, C>A. VCF-style: chr7-33340943-C-A. GRCh37 (hg19) VCF-style: chr7-33380555-C-A.
Other names: c.1245C>A, p.Val415= (NM_001033604.2, NM_001033605.2, NM_001348036.1 and 5 more transcripts); c.879C>A, p.Val293= (NM_001348037.3, NM_001348044.3, NM_001348045.3 and 1 more transcripts); c.972C>A, p.Val324= (NM_001348038.3, NM_001348039.3); c.1110C>A, p.Val370= (NM_001348042.3).
Identifiers: ClinVar variation 1483412 (VCV001483412.6), dbSNP rs61764066, ClinGen allele CA454454615.